The following is an entry in ClinVar:

ClinVar aggregate classification (germline): Pathogenic/Likely pathogenic. Review status: criteria provided, multiple submitters, no conflicts (2 of 4 stars). 3 submissions from 3 submitters: Pathogenic (2); Likely pathogenic (1). Last evaluated 2026-09-10.

Conditions:
Joubert syndrome. Also called: JOUBERT-BOLTSHAUSER SYNDROME; Familial aplasia of the vermis. Identifiers: Orphanet 475, MedGen C5979921, MONDO:0018772.
Meckel-Gruber syndrome. Also called: Dysencephalia splachnocystica; DYSENCEPHALIA SPLANCHNOCYSTICA; GRUBER SYNDROME. Identifiers: Orphanet 564, MedGen C0265215, MONDO:0018921.
COACH syndrome 3. Identifiers: MedGen C5436841, MONDO:0030862, OMIM 619113.
RPGRIP1L-related disorder. Also called: RPGRIP1L-related condition; RPGRIP1L-related disorders. Identifiers: MedGen CN239416.

Allele frequency attached by ClinVar (database versions not stated): gnomAD exomes below 0.00001.
gnomAD v4.1: 1 of 1,613,318 alleles (0.000062%); highest among the groups gnomAD compares: Non-Finnish European, 0.000085%; no homozygotes.

Submissions (3):

PreventionGenetics, part of Exact Sciences
Classification: Likely pathogenic for RPGRIP1L-related condition. Last evaluated: 2026-09-10. Review status: criteria provided, single submitter. Criteria: ACMG Guidelines, 2015. Collection method: clinical testing. Allele origin: germline.
Comment: The RPGRIP1L c.231-2A>G variant is predicted to disrupt the AG splice acceptor site and interfere with normal splicing. This variant has been reported, along with a second pathogenic variant, in an individual with Joubert syndrome (Suzuki et al. 2016. PubMed ID: 27434533). This variant has not been reported in a large population database (gnomAD), indicating this variant is rare. Variants that disrupt the consensus splice acceptor site in RPGRIP1L are expected to be pathogenic. This variant is interpreted as likely pathogenic.

Labcorp Genetics (formerly Invitae), Labcorp
Classification: Pathogenic for Joubert syndrome; Meckel-Gruber syndrome. Last evaluated: 2022-09-23. Review status: criteria provided, single submitter. Criteria: Invitae Variant Classification Sherloc (09022015). Collection method: clinical testing. Allele origin: germline.
Comment: Algorithms developed to predict the effect of sequence changes on RNA splicing suggest that this variant may disrupt the consensus splice site. Disruption of this splice site has been observed in individual(s) with Joubert syndrome (PMID: 27434533). In at least one individual the data is consistent with being in trans (on the opposite chromosome) from a pathogenic variant. This variant is not present in population databases (gnomAD no frequency). This sequence change affects an acceptor splice site in intron 3 of the RPGRIP1L gene. It is expected to disrupt RNA splicing. Variants that disrupt the donor or acceptor splice site typically lead to a loss of protein function (PMID: 16199547), and loss-of-function variants in RPGRIP1L are known to be pathogenic (PMID: 17558409). For these reasons, this variant has been classified as Pathogenic.

Kariminejad - Najmabadi Pathology & Genetics Center
Classification: Pathogenic for COACH syndrome 3. Review status: criteria provided, single submitter. Criteria: ACMG Guidelines, 2015. Collection method: clinical testing. Allele origin: germline. Affected: no.

Literature cited by the submitters: PubMed 27434533 (cited by Labcorp Genetics (formerly Invitae), Labcorp); PubMed 16199547 (cited by Labcorp Genetics (formerly Invitae), Labcorp); PubMed 17558409 (cited by Labcorp Genetics (formerly Invitae), Labcorp).

NM_015272.5(RPGRIP1L):c.231-2A>G

Gene: RPGRIP1L (RPGRIP1 like; minus strand). Cytogenetic location: 16q12.2.
Variant type: single nucleotide variant.
Coding change: c.231-2A>G on transcript NM_015272.5 (MANE Select); the canonical splice acceptor site of the intron before coding-DNA position 231, A replaced by G.
Molecular consequence: splice acceptor variant.
Genome position (GRCh38, 1-based): chr16:53,692,366, T>C on the plus strand (A>G on the coding strand, the complement: RPGRIP1L is on the minus strand). VCF-style: chr16-53692366-T-C. GRCh37 (hg19) VCF-style: chr16-53726278-T-C.
Other names: c.231-2A>G (NM_001127897.4, NM_001330538.2, NM_001308334.3 and 1 more transcripts).
Identifiers: ClinVar variation 2137811 (VCV002137811.6), dbSNP rs2544710305, ClinGen allele CA395925261.